The following is an entry in ClinVar:

ClinVar aggregate classification (germline): Uncertain significance. Review status: criteria provided, multiple submitters, no conflicts (2 of 4 stars). 2 submissions from 2 submitters: Uncertain significance (2). Last evaluated 2024-01-03.

Conditions:
Inborn genetic diseases. Identifiers: MedGen C0950123, MeSH D030342.

Allele frequency attached by ClinVar (database versions not stated): gnomAD exomes below 0.00001; ExAC 0.00001.
gnomAD v4.1: 5 of 1,614,074 alleles (0.00031%); highest among the groups gnomAD compares: South Asian, 0.0011%; no homozygotes.

Submissions (2):

Ambry Genetics
Classification: Uncertain significance for Inborn genetic diseases. Last evaluated: 2024-01-03. Review status: criteria provided, single submitter. Criteria: Ambry Variant Classification Scheme 2023. Collection method: clinical testing. Allele origin: germline.

Labcorp Genetics (formerly Invitae), Labcorp
Classification: Uncertain significance. Last evaluated: 2022-08-15. Review status: criteria provided, single submitter. Criteria: Invitae Variant Classification Sherloc (09022015). Collection method: clinical testing. Allele origin: germline.
Comment: This sequence change replaces arginine, which is basic and polar, with glutamine, which is neutral and polar, at codon 450 of the SLC24A1 protein (p.Arg450Gln). This variant is present in population databases (rs201483617, gnomAD 0.003%). This variant has not been reported in the literature in individuals affected with SLC24A1-related conditions. Algorithms developed to predict the effect of missense changes on protein structure and function are either unavailable or do not agree on the potential impact of this missense change (SIFT: "Tolerated"; PolyPhen-2: "Possibly Damaging"; Align-GVGD: "Class C0"). In summary, the available evidence is currently insufficient to determine the role of this variant in disease. Therefore, it has been classified as a Variant of Uncertain Significance.

NM_004727.3(SLC24A1):c.1349G>A (p.Arg450Gln)

Gene: SLC24A1 (solute carrier family 24 member 1; plus strand). Cytogenetic location: 15q22.31.
Variant type: single nucleotide variant.
Coding change: c.1349G>A on transcript NM_004727.3 (MANE Select); coding-DNA position 1349, G replaced by A.
Protein change: p.Arg450Gln; replaces arginine 450 with glutamine.
Molecular consequence: missense variant.
Genome position (GRCh38, 1-based): chr15:65,625,429, G>A. VCF-style: chr15-65625429-G-A. GRCh37 (hg19) VCF-style: chr15-65917767-G-A.
Other names: c.1349G>A, p.Arg450Gln (NM_001301031.1, NM_001301032.1, NM_001301033.2 and 1 more transcripts); c.1349G>A (NM_004727.2); short protein forms R450Q.
Identifiers: ClinVar variation 1921654 (VCV001921654.3), dbSNP rs201483617, ClinGen allele CA7619887.
Genomic context (GRCh38, chr15:65,625,429, plus strand): 5'-GCTTGCCAGACCTCCACCCCAAGGGAGAGTACCCCCCAGATCTGTTCAGTGTGGAGGAGC[G>A]GCGGCAGGGCTGGGTGGTCCTGCACGTTTTTGGCATGATGTATGTGTTTGTGGCCTTGGC-3'
Protein context (NP_004718.1, residues 440-460): YPPDLFSVEE[Arg450Gln]RQGWVVLHVF